The following is an entry in ClinVar:

ClinVar aggregate classification (germline): Uncertain significance (1 of 4 stars; one submission).

Submission:

Labcorp Genetics (formerly Invitae), Labcorp
Classification: Uncertain significance. Last evaluated: 2024-02-26. Review status: criteria provided, single submitter. Criteria: Invitae Variant Classification Sherloc (09022015). Collection method: clinical testing. Allele origin: germline.
Comment: This sequence change falls in intron 23 of the COL2A1 gene. It does not directly change the encoded amino acid sequence of the COL2A1 protein. It affects a nucleotide within the consensus splice site. This variant is not present in population databases (gnomAD no frequency). This variant has not been reported in the literature in individuals affected with COL2A1-related conditions. Variants that disrupt the consensus splice site are a relatively common cause of aberrant splicing (PMID: 17576681, 9536098). Algorithms developed to predict the effect of sequence changes on RNA splicing suggest that this variant may disrupt the consensus splice site. In summary, the available evidence is currently insufficient to determine the role of this variant in disease. Therefore, it has been classified as a Variant of Uncertain Significance.

Literature cited by the submitters: PubMed 17576681; PubMed 9536098.

NM_001844.5(COL2A1):c.1527+5A>G

Gene: COL2A1 (collagen type II alpha 1 chain; minus strand). Cytogenetic location: 12q13.11.
Variant type: single nucleotide variant.
Coding change: c.1527+5A>G on transcript NM_001844.5 (MANE Select); 5 bases into the intron after coding-DNA position 1527, A replaced by G.
Molecular consequence: intron variant.
Genome position (GRCh38, 1-based): chr12:47,986,331, T>C on the plus strand (A>G on the coding strand, the complement: COL2A1 is on the minus strand). VCF-style: chr12-47986331-T-C. GRCh37 (hg19) VCF-style: chr12-48380114-T-C.
Other names: c.1320+5A>G (NM_033150.3).
Identifiers: ClinVar variation 3673249 (VCV003673249.2).